The following is an entry in ClinVar:

NM_020320.5(RARS2):c.1334A>G (p.Tyr445Cys)

Gene: RARS2 (arginyl-tRNA synthetase 2, mitochondrial; minus strand). Cytogenetic location: 6q15.
Variant type: single nucleotide variant.
Coding change: c.1334A>G on transcript NM_020320.5 (MANE Select); coding-DNA position 1334, A replaced by G.
Protein change: p.Tyr445Cys; replaces tyrosine 445 with cysteine.
Molecular consequence: missense variant. On other transcripts: non-coding transcript variant (23).
Genome position (GRCh38, 1-based): chr6:87,518,711, T>C on the plus strand (A>G on the coding strand, the complement: RARS2 is on the minus strand). VCF-style: chr6-87518711-T-C. GRCh37 (hg19) VCF-style: chr6-88228429-T-C.
Other names: p.Y445C:TAC>TGC; c.809A>G, p.Tyr270Cys (NM_001318785.2, NM_001350506.2, NM_001350507.2 and 4 more transcripts); c.1334A>G, p.Tyr445Cys (NM_001350505.2); short protein forms Y445C, Y270C.
Identifiers: ClinVar variation 215067 (VCV000215067.2), dbSNP rs144896612, ClinGen allele CA320065.

ClinVar aggregate classification (germline): Likely pathogenic (1 of 4 stars; one submission).

Allele frequency attached by ClinVar (database versions not stated): gnomAD exomes below 0.00001; ExAC 0.00001; ESP Exome Variant Server 0.00008.
gnomAD v4.1: 3 of 1,614,114 alleles (0.00019%); highest among the groups gnomAD compares: East Asian, 0.0022%; no homozygotes.

Submission:

GeneDx
Classification: Likely pathogenic. Last evaluated: 2012-06-07. Review status: criteria provided, single submitter. Criteria: GeneDx Variant Classification (06012015). Collection method: clinical testing. Allele origin: germline. Affected: yes.
Comment: p.Tyr445Cys (TAC>TGC): c.1334 A>G in exon 16 of the RARS2 gene (NM_020320.3) The Y445C missense change likely associated with a mitochondrial disorder was identified in the RARS2 gene. It has not been published as a mutation, nor has it been reported as a benign polymorphism to our knowledge. The amino acid change is conservative, but it occurs at a highly conserved position in the RARS2 protein and multiple in-silico analysis models predict that Y445C is damaging to the RARS2 protein. Therefore, Y445C is a strong candidate for a disease-causing mutation, however the possibility that it is a benign variant cannot be excluded. The variant is found in MITONUC-MITOP panel(s).